The following is an entry in ClinVar:

ClinVar aggregate classification (germline): Uncertain significance. Review status: criteria provided, multiple submitters, no conflicts (2 of 4 stars). 2 submissions from 2 submitters: Uncertain significance (2). Last evaluated 2025-06-14.

Conditions:
Hereditary cancer-predisposing syndrome. Also called: Hereditary Cancer Syndrome; Neoplastic Syndromes, Hereditary; Tumor predisposition; Hereditary neoplastic syndrome. Identifiers: Orphanet 140162, MedGen C0027672, MeSH D009386, MONDO:0015356.

gnomAD v4.1: 1 of 1,614,050 alleles (0.000062%); no homozygotes.

Submissions (2):

Ambry Genetics
Classification: Uncertain significance for Hereditary cancer-predisposing syndrome. Last evaluated: 2025-06-14. Review status: criteria provided, single submitter. Criteria: Ambry Variant Classification Scheme 2023. Collection method: clinical testing. Allele origin: germline.
Comment: The p.S201I variant (also known as c.602G>T), located in coding exon 4 of the MSH3 gene, results from a G to T substitution at nucleotide position 602. The serine at codon 201 is replaced by isoleucine, an amino acid with dissimilar properties. This amino acid position is conserved. In addition, this alteration is predicted to be tolerated by in silico analysis. Since supporting evidence is limited at this time, the clinical significance of this alteration remains unclear.

Labcorp Genetics (formerly Invitae), Labcorp
Classification: Uncertain significance. Last evaluated: 2025-01-19. Review status: criteria provided, single submitter. Criteria: Invitae Variant Classification Sherloc (09022015). Collection method: clinical testing. Allele origin: germline.
Comment: This sequence change replaces serine, which is neutral and polar, with isoleucine, which is neutral and non-polar, at codon 201 of the MSH3 protein (p.Ser201Ile). This variant is not present in population databases (gnomAD no frequency). This variant has not been reported in the literature in individuals affected with MSH3-related conditions. ClinVar contains an entry for this variant (Variation ID: 1023342). An algorithm developed to predict the effect of missense changes on protein structure and function (PolyPhen-2) suggests that this variant is likely to be tolerated. In summary, the available evidence is currently insufficient to determine the role of this variant in disease. Therefore, it has been classified as a Variant of Uncertain Significance.

NM_002439.5(MSH3):c.602G>T (p.Ser201Ile)

Gene: MSH3 (mutS homolog 3; plus strand). Cytogenetic location: 5q14.1.
Variant type: single nucleotide variant.
Coding change: c.602G>T on transcript NM_002439.5 (MANE Select); coding-DNA position 602, G replaced by T.
Protein change: p.Ser201Ile; replaces serine 201 with isoleucine.
Molecular consequence: missense variant.
Genome position (GRCh38, 1-based): chr5:80,670,119, G>T. VCF-style: chr5-80670119-G-T. GRCh37 (hg19) VCF-style: chr5-79965938-G-T.
Other names: short protein forms S201I.
Identifiers: ClinVar variation 1023342 (VCV001023342.13), dbSNP rs56122601, ClinGen allele CA121292977.